The following is an entry in ClinVar:

NM_004614.5(TK2):c.117G>A (p.Trp39Ter)

Genes: TK2 (thymidine kinase 2; minus strand), LOC130059156 (ATAC-STARR-seq lymphoblastoid silent region 7560; plus strand). Cytogenetic location: 16q21.
Variant type: single nucleotide variant.
Coding change: c.117G>A on transcript NM_004614.5 (MANE Select); coding-DNA position 117, G replaced by A.
Protein change: p.Trp39Ter; replaces tryptophan 39 with a stop codon.
Molecular consequence: nonsense. On other transcripts: 5 prime UTR variant (2), non-coding transcript variant (1), intron variant (2).
Genome position (GRCh38, 1-based): chr16:66,549,945, C>T on the plus strand (G>A on the coding strand, the complement: TK2 is on the minus strand). VCF-style: chr16-66549945-C-T. GRCh37 (hg19) VCF-style: chr16-66583848-C-T.
Other names: c.117G>A, p.Trp39Ter (NM_001172644.2, NM_001172645.2); c.-126G>A (NM_001271934.2); c.-536G>A (NM_001272050.2); c.31+308G>A (NM_001271935.1, NM_001172643.1); short protein forms W39*.
Identifiers: ClinVar variation 2857173 (VCV002857173.3), dbSNP rs543272850, ClinGen allele CA8093842.

ClinVar aggregate classification (germline): Pathogenic (1 of 4 stars; one submission).

Allele frequency attached by ClinVar (database versions not stated): gnomAD exomes below 0.00001.

Submission:

Labcorp Genetics (formerly Invitae), Labcorp
Classification: Pathogenic. Last evaluated: 2023-04-23. Review status: criteria provided, single submitter. Criteria: Invitae Variant Classification Sherloc (09022015). Collection method: clinical testing. Allele origin: germline.
Comment: For these reasons, this variant has been classified as Pathogenic. This variant has not been reported in the literature in individuals affected with TK2-related conditions. This variant is not present in population databases (gnomAD no frequency). This sequence change creates a premature translational stop signal (p.Trp39*) in the TK2 gene. It is expected to result in an absent or disrupted protein product. Loss-of-function variants in TK2 are known to be pathogenic (PMID: 20421844).

Literature cited by the submitters: PubMed 20421844.